The following is an entry in ClinVar:

ClinVar aggregate classification (germline): Uncertain significance. Review status: criteria provided, multiple submitters, no conflicts (2 of 4 stars). 3 submissions from 3 submitters: Uncertain significance (3). Last evaluated 2024-04-30.

Conditions:
Polycystic kidney disease, adult type (PKD1). Also called: Polycystic Kidney Disease 1, Autosomal Dominant; Polycystic kidney disease 1; Polycystic kidney disease 1, severe; POLYCYSTIC KIDNEY DISEASE 1 WITH OR WITHOUT POLYCYSTIC LIVER DISEASE; POLYCYSTIC KIDNEY DISEASE, ADULT, TYPE I; Polycystic Kidney, Autosomal Dominant. Identifiers: MedGen C3149841, MONDO:0008263, OMIM 173900.
Inborn genetic diseases. Identifiers: MedGen C0950123, MeSH D030342.

Allele frequency attached by ClinVar (database versions not stated): ExAC 0.00003; gnomAD 0.00003; gnomAD exomes 0.00003; TOPMed 0.00003.
gnomAD v4.1: 49 of 1,611,998 alleles (0.003%); highest among the groups gnomAD compares: South Asian, 0.0055%; no homozygotes.

Submissions (3):

Fulgent Genetics
Classification: Uncertain significance for Polycystic kidney disease, adult type. Last evaluated: 2024-04-30. Review status: criteria provided, single submitter. Criteria: ACMG Guidelines, 2015. Collection method: clinical testing. Allele origin: germline.

GeneDx
Classification: Uncertain significance. Last evaluated: 2022-09-09. Review status: criteria provided, single submitter. Criteria: GeneDx Variant Classification Process June 2021. Collection method: clinical testing. Allele origin: germline. Affected: yes.
Comment: In silico analysis supports that this missense variant does not alter protein structure/function; Has not been previously published as pathogenic or benign to our knowledge

Ambry Genetics
Classification: Uncertain significance for Inborn genetic diseases. Last evaluated: 2021-09-16. Review status: criteria provided, single submitter. Criteria: Ambry Variant Classification Scheme 2023. Collection method: clinical testing. Allele origin: germline.

NM_001009944.3(PKD1):c.4918G>A (p.Gly1640Ser)

Gene: PKD1 (polycystin 1, transient receptor potential channel interacting; minus strand). Cytogenetic location: 16p13.3.
Variant type: single nucleotide variant.
Coding change: c.4918G>A on transcript NM_001009944.3 (MANE Select); coding-DNA position 4918, G replaced by A.
Protein change: p.Gly1640Ser; replaces glycine 1640 with serine.
Molecular consequence: missense variant.
Genome position (GRCh38, 1-based): chr16:2,110,249, C>T on the plus strand (G>A on the coding strand, the complement: PKD1 is on the minus strand). VCF-style: chr16-2110249-C-T. GRCh37 (hg19) VCF-style: chr16-2160250-C-T.
Other names: c.4918G>A, p.Gly1640Ser (NM_000296.4); short protein forms G1640S.
Identifiers: ClinVar variation 2362074 (VCV002362074.4), dbSNP rs781184044, ClinGen allele CA7832194.
Genomic context (GRCh38, chr16:2,110,249, plus strand): 5'-TGCCATCCCTAACCACGGCCTGCAGCTGTACCGTGTGGTTGGTGGGGAAGTAGCGGCCAC[C>T]GCCCACCACCTGCAGCCCCTCTATGAGCTGCAGGACATAGACGAAGATGCTGTCCTGGGC-3'
Protein context (NP_001009944.3, residues 1630-1650): QLIEGLQVVG[Gly1640Ser]GRYFPTNHTV